The following is an entry in ClinVar:

NM_201589.4(MAFA):c.170C>G (p.Thr57Arg)

Gene: MAFA (MAF bZIP transcription factor A; minus strand). Cytogenetic location: 8q24.3.
Variant type: single nucleotide variant.
Coding change: c.170C>G on transcript NM_201589.4 (MANE Select); coding-DNA position 170, C replaced by G.
Protein change: p.Thr57Arg; replaces threonine 57 with arginine.
Molecular consequence: missense variant.
Genome position (GRCh38, 1-based): chr8:143,430,237, G>C on the plus strand (C>G on the coding strand, the complement: MAFA is on the minus strand). VCF-style: chr8-143430237-G-C. GRCh37 (hg19) VCF-style: chr8-144512407-G-C.
Other names: short protein forms T57R.
Identifiers: ClinVar variation 2578034 (VCV002578034.2), dbSNP rs1819520149, ClinGen allele CA372417735.

ClinVar aggregate classification (germline): Pathogenic (1 of 4 stars; one submission).

Conditions:
Islet cell adenomatosis. Identifiers: MedGen C1578917, MONDO:0007834, OMIM 147630.

Submission:

Institute for Clinical Chemistry and Laboratory Medicine, University Medical Center Mainz
Classification: Pathogenic for Islet cell adenomatosis. Last evaluated: 2023-09-04. Review status: criteria provided, single submitter. Criteria: ACMG Guidelines, 2015. Collection method: clinical testing. Allele origin: germline. Inheritance: Autosomal dominant inheritance. Affected: yes. Observed: 12 variant alleles, 12 heterozygotes. Clinical features observed: Middle age onset (HP:0003596), Hyperinsulinemic hypoglycemia (HP:0000825), Pancreatic insulinoma (HP:0012197), Multiple pancreatic beta-cell adenomas (HP:0008194), Impaired glucose tolerance (HP:0040270), Type 2 diabetes mellitus (HP:0005978), Young adult onset (HP:0011462).
Comment: Using exome sequencing (conformation using Sanger Sequencing), we detected a novel, heterozygous missense variant, c.170C>G p.(Thr57Arg), in MAFA’s highly conserved transactivation domain in two sisters who suffer from adult-onset familial insulinomatosis. Furthermore, mild hyperglycemia was observed in six additional, heterozygote family members, indicating that not only insulinomatosis but also MODY-like symptoms co-segregate with p.Thr57Arg. Details on methods, family and clinical details can be found in PMID: 35406570. In vitro expression studies replacing Thr57 have already been performed by Han et al., demonstrating a phosphorylation defect with impairment of transactivation activity and degradation (PMID: 17682063). The MAFA variant, p.Ser64Phe, is located in the same domain, impairs the same phosphorylation cascade, and results in the same symptoms (PMID: 29339498). Therfore, we classified the variant NM_201589.4(MAFA):c.170C>G as pathogenic.

Literature cited by the submitters: PubMed 35406570.